The following is an entry in ClinVar:

NM_024529.5(CDC73):c.865G>A (p.Ala289Thr)

Gene: CDC73 (cell division cycle 73; plus strand). Cytogenetic location: 1q31.2.
Variant type: single nucleotide variant.
Coding change: c.865G>A on transcript NM_024529.5 (MANE Select); coding-DNA position 865, G replaced by A.
Protein change: p.Ala289Thr; replaces alanine 289 with threonine.
Molecular consequence: missense variant.
Genome position (GRCh38, 1-based): chr1:193,150,340, G>A. VCF-style: chr1-193150340-G-A. GRCh37 (hg19) VCF-style: chr1-193119470-G-A.
Other names: short protein forms A289T.
Identifiers: ClinVar variation 2125347 (VCV002125347.6), dbSNP rs2527341534, ClinGen allele CA343965015.
Genomic context (GRCh38, chr1:193,150,340, plus strand): 5'-AACTCATAATTAATTTTTTTACAGGATCCCACTTTGCGCACCAAACAGCCTATCCCAGCT[G>A]CCTATAACAGATACGATCAGGAAAGATTCAAAGGAAAAGAAGGCAAGTTGCTTAATTCTT-3'
Protein context (NP_078805.3, residues 279-299): TLRTKQPIPA[Ala289Thr]YNRYDQERFK

ClinVar aggregate classification (germline): Uncertain significance. Review status: criteria provided, multiple submitters, no conflicts (2 of 4 stars). 2 submissions from 2 submitters: Uncertain significance (2). Last evaluated 2023-06-19.

Conditions:
Hereditary cancer-predisposing syndrome. Also called: Hereditary neoplastic syndrome; Tumor predisposition; Hereditary Cancer Syndrome; Neoplastic Syndromes, Hereditary. Identifiers: Orphanet 140162, MedGen C0027672, MeSH D009386, MONDO:0015356.
Parathyroid carcinoma (PRTC). Also called: Parathyroid gland carcinoma; CDC73-Related Parathyroid Carcinoma. Identifiers: Orphanet 143, MedGen C0687150, MONDO:0012004, OMIM 608266, HP:0006780.

Allele frequency attached by ClinVar (database versions not stated): gnomAD exomes below 0.00001.
gnomAD v4.1: 1 of 1,613,434 alleles (0.000062%); highest among the groups gnomAD compares: South Asian, 0.0011%; no homozygotes.

Submissions (2):

Ambry Genetics
Classification: Uncertain significance for Hereditary cancer-predisposing syndrome. Last evaluated: 2023-06-19. Review status: criteria provided, single submitter. Criteria: Ambry Variant Classification Scheme 2023. Collection method: clinical testing. Allele origin: germline.
Comment: The p.A289T variant (also known as c.865G>A), located in coding exon 9 of the CDC73 gene, results from a G to A substitution at nucleotide position 865. The alanine at codon 289 is replaced by threonine, an amino acid with similar properties. This amino acid position is highly conserved in available vertebrate species. In addition, the in silico prediction for this alteration is inconclusive. Since supporting evidence is limited at this time, the clinical significance of this alteration remains unclear.

Labcorp Genetics (formerly Invitae), Labcorp
Classification: Uncertain significance for Parathyroid carcinoma. Last evaluated: 2022-04-21. Review status: criteria provided, single submitter. Criteria: Invitae Variant Classification Sherloc (09022015). Collection method: clinical testing. Allele origin: germline.
Comment: This sequence change replaces alanine, which is neutral and non-polar, with threonine, which is neutral and polar, at codon 289 of the CDC73 protein (p.Ala289Thr). This variant is not present in population databases (gnomAD no frequency). This variant has not been reported in the literature in individuals affected with CDC73-related conditions. Algorithms developed to predict the effect of missense changes on protein structure and function (SIFT, PolyPhen-2, Align-GVGD) all suggest that this variant is likely to be tolerated. In summary, the available evidence is currently insufficient to determine the role of this variant in disease. Therefore, it has been classified as a Variant of Uncertain Significance.